The following is an entry in ClinVar:

NM_001035.3(RYR2):c.801_802delinsAA (p.Ser268Thr)

Gene: RYR2 (ryanodine receptor 2; plus strand). Cytogenetic location: 1q43.
Variant type: Indel.
Coding change: c.801_802delinsAA on transcript NM_001035.3 (MANE Select); coding-DNA positions 801 to 802, GT replaced by AA.
Protein change: p.Ser268Thr; replaces serine 268 with threonine.
Molecular consequence: missense variant.
Genome position (GRCh38, 1-based): chr1:237,417,076-237,417,077, GT replaced by AA. VCF-style: chr1-237417076-GT-AA. GRCh37 (hg19) VCF-style: chr1-237580376-GT-AA.
Other names: short protein forms S268T.
Identifiers: ClinVar variation 1355377 (VCV001355377.7), dbSNP rs2150028824, ClinGen allele CA2573132831.

ClinVar aggregate classification (germline): Uncertain significance (1 of 4 stars; one submission).

Conditions:
Catecholaminergic polymorphic ventricular tachycardia 1. Also called: RYR2-Related Catecholaminergic Polymorphic Ventricular Tachycardia; VENTRICULAR TACHYCARDIA, CATECHOLAMINERGIC POLYMORPHIC, 1, WITH OR WITHOUT ATRIAL DYSFUNCTION AND/OR DILATED CARDIOMYOPATHY; VENTRICULAR TACHYCARDIA, STRESS-INDUCED POLYMORPHIC 1. Identifiers: Orphanet 3286, MedGen C1631597, MONDO:0011484, OMIM 604772.

Submission:

Labcorp Genetics (formerly Invitae), Labcorp
Classification: Uncertain significance for Catecholaminergic polymorphic ventricular tachycardia 1. Last evaluated: 2021-10-24. Review status: criteria provided, single submitter. Criteria: Invitae Variant Classification Sherloc (09022015). Collection method: clinical testing. Allele origin: germline.
Comment: In summary, the available evidence is currently insufficient to determine the role of this variant in disease. Therefore, it has been classified as a Variant of Uncertain Significance. Experimental studies and prediction algorithms are not available or were not evaluated, and the functional significance of this variant is currently unknown. This variant has not been reported in the literature in individuals affected with RYR2-related conditions. Information on the frequency of this variant in the gnomAD database is not available, as this variant may be reported differently in the database. This sequence change replaces serine, which is neutral and polar, with threonine, which is neutral and polar, at codon 268 of the RYR2 protein (p.Ser268Thr).